The following is an entry in ClinVar:

NM_020442.6(VARS2):c.1829A>G (p.Tyr610Cys)

Genes: VARS2 (valyl-tRNA synthetase 2, mitochondrial; plus strand), LOC126859646 (MED14-independent group 3 enhancer GRCh37_chr6:30889690-30890889; plus strand). Cytogenetic location: 6p21.33.
Variant type: single nucleotide variant.
Coding change: c.1829A>G on transcript NM_020442.6 (MANE Select); coding-DNA position 1829, A replaced by G.
Protein change: p.Tyr610Cys; replaces tyrosine 610 with cysteine.
Molecular consequence: missense variant.
Genome position (GRCh38, 1-based): chr6:30,922,138, A>G. VCF-style: chr6-30922138-A-G. GRCh37 (hg19) VCF-style: chr6-30889915-A-G.
Other names: c.1409A>G, p.Tyr470Cys (NM_001167733.3); c.1919A>G, p.Tyr640Cys (NM_001167734.2); short protein forms Y470C, Y610C, Y640C.
Identifiers: ClinVar variation 3898061 (VCV003898061.1).

ClinVar aggregate classification (germline): Likely pathogenic (1 of 4 stars; one submission).

Conditions:
Combined oxidative phosphorylation defect type 20. Also called: Combined oxidative phosphorylation deficiency 20. Identifiers: Orphanet 420728, MedGen C4014660, MONDO:0014397, OMIM 615917.

gnomAD v4.1: 1 of 1,609,722 alleles (0.000062%); highest among the groups gnomAD compares: Non-Finnish European, 0.000085%; no homozygotes.

Submission:

Service de Génétique Médicale, Centre Hospitalier Universitaire de Nice-Université Côte d'Azur
Classification: Likely pathogenic for Combined oxidative phosphorylation defect type 20. Last evaluated: 2024-02-27. Review status: criteria provided, single submitter. Criteria: ACMG Guidelines, 2015. Collection method: clinical testing. Allele origin: germline. Affected: yes.

Literature cited by the submitters: PubMed 38703036.